The following is an entry in ClinVar:

ClinVar aggregate classification (germline): Uncertain significance (1 of 4 stars; one submission).

Allele frequency attached by ClinVar (database versions not stated): gnomAD exomes below 0.00001 and 0.00001; TOPMed 0.00001.
gnomAD v4.1: 4 of 1,596,948 alleles (0.00025%); highest among the groups gnomAD compares: Admixed American, 0.0033%; no homozygotes.

Submission:

Labcorp Genetics (formerly Invitae), Labcorp
Classification: Uncertain significance. Last evaluated: 2023-07-17. Review status: criteria provided, single submitter. Criteria: Invitae Variant Classification Sherloc (09022015). Collection method: clinical testing. Allele origin: germline.
Comment: In summary, the available evidence is currently insufficient to determine the role of this variant in disease. Therefore, it has been classified as a Variant of Uncertain Significance. Experimental studies and prediction algorithms are not available or were not evaluated, and the functional significance of this variant is currently unknown. ClinVar contains an entry for this variant (Variation ID: 1359681). This variant has not been reported in the literature in individuals affected with HTT-related conditions. This variant is present in population databases (no rsID available, gnomAD 0.003%). This sequence change replaces phenylalanine, which is neutral and non-polar, with leucine, which is neutral and non-polar, at codon 1742 of the HTT protein (p.Phe1742Leu).

NM_001388492.1(HTT):c.5220T>A (p.Phe1740Leu)

Gene: HTT (huntingtin; plus strand). Cytogenetic location: 4p16.3.
Variant type: single nucleotide variant.
Coding change: c.5220T>A on transcript NM_001388492.1 (MANE Select); coding-DNA position 5220, T replaced by A.
Protein change: p.Phe1740Leu; replaces phenylalanine 1740 with leucine.
Molecular consequence: missense variant.
Genome position (GRCh38, 1-based): chr4:3,187,881, T>A. VCF-style: chr4-3187881-T-A. GRCh37 (hg19) VCF-style: chr4-3189608-T-A.
Other names: c.5226T>A, p.Phe1742Leu (NM_002111.8); short protein forms F1740L, F1742L.
Identifiers: ClinVar variation 1359681 (VCV001359681.6), dbSNP rs1363209620, ClinGen allele CA356073237.